The following is an entry in ClinVar:

ClinVar aggregate classification (germline): Uncertain significance. Review status: criteria provided, multiple submitters, no conflicts (2 of 4 stars). 3 submissions from 3 submitters: Uncertain significance (3). Last evaluated 2025-03-30.

Conditions:
Hereditary cancer-predisposing syndrome. Also called: Tumor predisposition; Neoplastic Syndromes, Hereditary; Hereditary neoplastic syndrome; Hereditary Cancer Syndrome. Identifiers: Orphanet 140162, MedGen C0027672, MeSH D009386, MONDO:0015356.
Hereditary nonpolyposis colorectal neoplasms. Identifiers: MedGen C0009405, MeSH D003123.

gnomAD v4.1: 4 of 1,614,128 alleles (0.00025%); highest among the groups gnomAD compares: Non-Finnish European, 0.00034%; no homozygotes.

Submissions (3):

Labcorp Genetics (formerly Invitae), Labcorp
Classification: Uncertain significance for Hereditary nonpolyposis colorectal neoplasms. Last evaluated: 2025-03-30. Review status: criteria provided, single submitter. Criteria: Invitae Variant Classification Sherloc (09022015). Collection method: clinical testing. Allele origin: germline.
Comment: This sequence change replaces proline, which is neutral and non-polar, with threonine, which is neutral and polar, at codon 440 of the PMS2 protein (p.Pro440Thr). This variant is not present in population databases (gnomAD no frequency). This variant has not been reported in the literature in individuals affected with PMS2-related conditions. ClinVar contains an entry for this variant (Variation ID: 630474). Invitae Evidence Modeling incorporating data from in vitro experimental studies (internal data) indicates that this missense variant is not expected to disrupt PMS2 function with a negative predictive value of 95%. In summary, the available evidence is currently insufficient to determine the role of this variant in disease. Therefore, it has been classified as a Variant of Uncertain Significance.

Ambry Genetics
Classification: Uncertain significance for Hereditary cancer-predisposing syndrome. Last evaluated: 2024-09-09. Review status: criteria provided, single submitter. Criteria: Ambry Variant Classification Scheme 2023. Collection method: clinical testing. Allele origin: germline.
Comment: The p.P440T variant (also known as c.1318C>A), located in coding exon 11 of the PMS2 gene, results from a C to A substitution at nucleotide position 1318. The proline at codon 440 is replaced by threonine, an amino acid with highly similar properties. This amino acid position is not well conserved in available vertebrate species. In addition, this alteration is predicted to be tolerated by in silico analysis. Since supporting evidence is limited at this time, the clinical significance of this alteration remains unclear.

Color Diagnostics, LLC DBA Color Health
Classification: Uncertain significance for Hereditary cancer-predisposing syndrome. Last evaluated: 2023-12-05. Review status: criteria provided, single submitter. Criteria: ACMG Guidelines, 2015. Collection method: clinical testing. Allele origin: germline.
Comment: This missense variant replaces proline with threonine at codon 440 of the PMS2 protein. Computational prediction suggests that this variant may not impact protein structure and function (internally defined REVEL score threshold <= 0.5, PMID: 27666373). To our knowledge, functional studies have not been reported for this variant. This variant has not been reported in individuals affected with PMS2-related disorders in the literature. This variant has not been identified in the general population by the Genome Aggregation Database (gnomAD). The available evidence is insufficient to determine the role of this variant in disease conclusively. Therefore, this variant is classified as a Variant of Uncertain Significance.

NM_000535.7(PMS2):c.1318C>A (p.Pro440Thr)

Gene: PMS2 (PMS1 homolog 2, mismatch repair system component; minus strand). Cytogenetic location: 7p22.1.
Variant type: single nucleotide variant.
Coding change: c.1318C>A on transcript NM_000535.7 (MANE Select); coding-DNA position 1318, C replaced by A.
Protein change: p.Pro440Thr; replaces proline 440 with threonine.
Molecular consequence: missense variant. On other transcripts: non-coding transcript variant (1).
Genome position (GRCh38, 1-based): chr7:5,987,447, G>T on the plus strand (C>A on the coding strand, the complement: PMS2 is on the minus strand). VCF-style: chr7-5987447-G-T. GRCh37 (hg19) VCF-style: chr7-6027078-G-T.
Other names: c.1162C>A, p.Pro388Thr (NM_001322006.2); c.757C>A, p.Pro253Thr (NM_001322010.2); c.1000C>A, p.Pro334Thr (NM_001322007.2, NM_001322008.2); c.913C>A, p.Pro305Thr (NM_001322009.2, NM_001322003.2, NM_001322004.2 and 1 more transcripts); c.385C>A, p.Pro129Thr (NM_001322011.2, NM_001322012.2); c.745C>A, p.Pro249Thr (NM_001322013.2); c.1318C>A, p.Pro440Thr (NM_001322014.2); c.1009C>A, p.Pro337Thr (NM_001322015.2); short protein forms P440T, P249T, P337T, P388T, P253T, P334T, P129T, P305T.
Identifiers: ClinVar variation 630474 (VCV000630474.13), dbSNP rs762894051, ClinGen allele CA366742346.